The following is an entry in ClinVar:

NM_001008216.2(GALE):c.80A>G (p.Tyr27Cys)

Gene: GALE (UDP-galactose-4-epimerase; minus strand). Cytogenetic location: 1p36.11.
Variant type: single nucleotide variant.
Coding change: c.80A>G on transcript NM_001008216.2 (MANE Select); coding-DNA position 80, A replaced by G.
Protein change: p.Tyr27Cys; replaces tyrosine 27 with cysteine.
Molecular consequence: missense variant.
Genome position (GRCh38, 1-based): chr1:23,798,928, T>C on the plus strand (A>G on the coding strand, the complement: GALE is on the minus strand). VCF-style: chr1-23798928-T-C. GRCh37 (hg19) VCF-style: chr1-24125418-T-C.
Other names: c.80A>G, p.Tyr27Cys (NM_000403.4, NM_001127621.2); short protein forms Y27C.
Identifiers: ClinVar variation 1710656 (VCV001710656.5), dbSNP rs532648624, ClinGen allele CA685814.
Genomic context (GRCh38, chr1:23,798,928, plus strand): 5'-GCCCCACTGCCCCGCTCACCACGGAAGGCATTATGGAAGTTATCGATGACCACAGGCAAG[T>C]AGCCAGCCTCCAGCAGCTCCAGCACCGTGTGGCTGCCAATGTAGCCAGCCCCACCTGTTA-3'
Protein context (NP_001008217.1, residues 17-37): HTVLELLEAG[Tyr27Cys]LPVVIDNFHN

ClinVar aggregate classification (germline): Uncertain significance. Review status: criteria provided, multiple submitters, no conflicts (2 of 4 stars). 2 submissions from 2 submitters: Uncertain significance (2). Last evaluated 2025-10-31.

Conditions:
UDPglucose-4-epimerase deficiency. Also called: UDPglucose 4-Epimerase Deficiency Disease; Epimerase Deficiency Galactosemia; UDP-GALACTOSE-4-EPIMERASE DEFICIENCY; Galactose epimerase deficiency; GALACTOSEMIA III; GALE DEFICIENCY. Identifiers: Orphanet 352, Orphanet 79238, MedGen C0751161, MONDO:0009257, OMIM 230350.

Allele frequency attached by ClinVar (database versions not stated): gnomAD exomes 0.00001; ExAC 0.00002; gnomAD 0.00005; TOPMed 0.00006; 1000 Genomes Project 30x 0.00016; 1000 Genomes Project 0.00020.

Submissions (2):

Labcorp Genetics (formerly Invitae), Labcorp
Classification: Uncertain significance for UDPglucose-4-epimerase deficiency. Last evaluated: 2025-10-31. Review status: criteria provided, single submitter. Criteria: Invitae Variant Classification Sherloc (09022015). Collection method: clinical testing. Allele origin: germline.
Comment: This sequence change replaces tyrosine, which is neutral and polar, with cysteine, which is neutral and slightly polar, at codon 27 of the GALE protein (p.Tyr27Cys). This variant is present in population databases (rs532648624, gnomAD 0.04%). This variant has not been reported in the literature in individuals affected with GALE-related conditions. ClinVar contains an entry for this variant (Variation ID: 1710656). Invitae Evidence Modeling of protein sequence and biophysical properties (such as structural, functional, and spatial information, amino acid conservation, physicochemical variation, residue mobility, and thermodynamic stability) indicates that this missense variant is not expected to disrupt GALE protein function with a negative predictive value of 80%. In summary, the available evidence is currently insufficient to determine the role of this variant in disease. Therefore, it has been classified as a Variant of Uncertain Significance.

GeneDx
Classification: Uncertain significance. Last evaluated: 2022-04-13. Review status: criteria provided, single submitter. Criteria: GeneDx Variant Classification Process June 2021. Collection method: clinical testing. Allele origin: germline. Affected: yes.
Comment: In silico analysis supports that this missense variant has a deleterious effect on protein structure/function; Has not been previously published as pathogenic or benign to our knowledge